The following is an entry in ClinVar:

NM_005529.7(HSPG2):c.7006+1G>A

Gene: HSPG2 (heparan sulfate proteoglycan 2; minus strand). Cytogenetic location: 1p36.12.
Variant type: single nucleotide variant.
Coding change: c.7006+1G>A on transcript NM_005529.7 (MANE Select); the canonical splice donor site of the intron after coding-DNA position 7006, G replaced by A.
Molecular consequence: splice donor variant.
Genome position (GRCh38, 1-based): chr1:21,851,790, C>T on the plus strand (G>A on the coding strand, the complement: HSPG2 is on the minus strand). VCF-style: chr1-21851790-C-T. GRCh37 (hg19) VCF-style: chr1-22178283-C-T.
Other names: c.7009+1G>A (NM_001291860.2).
Identifiers: ClinVar variation 265454 (VCV000265454.6), dbSNP rs778653296, ClinGen allele CA10588283.
Genomic context (GRCh38, chr1:21,851,790, plus strand): 5'-TTCTCTGAAGCCACTCCAGCCTGTTCTCTGCATCCCAGCCCAGCCTGGTGGCCCCACTCA[C>T]GGTAGGCTAAGTTGGCCCCCTGGGTCCCAGTTACTGTGACCGTGATGGAGGCCTCCATGC-3'

ClinVar aggregate classification (germline): Pathogenic/Likely pathogenic. Review status: criteria provided, multiple submitters, no conflicts (2 of 4 stars). 3 submissions from 3 submitters: Pathogenic (2); Likely pathogenic (1). Last evaluated 2024-01-22.

Conditions:
Schwartz-Jampel syndrome type 1 (SJS1). Also called: MYOTONIC MYOPATHY, DWARFISM, CHONDRODYSTROPHY, AND OCULAR AND FACIAL ABNORMALITIES; CHONDRODYSTROPHIC MYOTONIA. Identifiers: MedGen C4551479, MONDO:0100435, OMIM 255800.
Lethal Kniest-like syndrome (DDSH). Also called: Dyssegmental Dysplasia. Identifiers: Orphanet 1865, MedGen C1857100, MONDO:0009140, OMIM 224410.

Allele frequency attached by ClinVar (database versions not stated): TOPMed 0.00004.

Submissions (4):

Labcorp Genetics (formerly Invitae), Labcorp
Classification: Likely pathogenic. Last evaluated: 2024-01-22. Review status: criteria provided, single submitter. Criteria: Invitae Variant Classification Sherloc (09022015). Collection method: clinical testing. Allele origin: germline.
Comment: This sequence change affects a donor splice site in intron 54 of the HSPG2 gene. It is expected to disrupt RNA splicing. Variants that disrupt the donor or acceptor splice site typically lead to a loss of protein function (PMID: 16199547), and loss-of-function variants in HSPG2 are known to be pathogenic (PMID: 11279527, 16927315, 20542149, 23836246). This variant is present in population databases (no rsID available, gnomAD 0.006%). Disruption of this splice site has been observed in individual(s) with Schwartz-Jampel syndrome (PMID: 16927315). ClinVar contains an entry for this variant (Variation ID: 265454). Algorithms developed to predict the effect of sequence changes on RNA splicing suggest that this variant may disrupt the consensus splice site. In summary, the currently available evidence indicates that the variant is pathogenic, but additional data are needed to prove that conclusively. Therefore, this variant has been classified as Likely Pathogenic.

Fulgent Genetics
Classification: Pathogenic for Lethal Kniest-like syndrome; Schwartz-Jampel syndrome type 1. Last evaluated: 2021-12-22. Review status: criteria provided, single submitter. Criteria: ACMG Guidelines, 2015. Collection method: clinical testing. Allele origin: unknown.

GeneDx
Classification: Pathogenic. Last evaluated: 2017-04-28. Review status: criteria provided, single submitter. Criteria: GeneDx Variant Classification (06012015). Collection method: clinical testing. Allele origin: germline. Affected: yes.
Comment: The c.7006+1G>A pathogenic variant in the HSPG2 gene has been reported previously in the homozygous state in association with Schwartz-Jampel syndrome (Stum et al., 2006). This splice site variant destroys the canonical splice donor site in intron 54. It is predicted to cause abnormal gene splicing, either leading to an abnormal message that is subject to nonsense-mediated mRNA decay, or to an abnormal protein product if the message is used for protein translation. The c.7006+1G>A variant was not observed in approximately 6500 individuals of European and African American ancestry in the NHLBI Exome Sequencing Project, indicating it is not a common benign variant in these populations. We interpret c.7006+1G>A as a pathogenic variant.

Dr. Peter K. Rogan Lab, Western University
No classification provided (evidence only). Condition: Malignant tumor of urinary bladder. Review status: no classification provided. Collection method: in vitro. Allele origin: not applicable. Functional consequence: skipped exon, retained intron. Not counted in ClinVar's aggregate classification.

Literature cited by the submitters: PubMed 16199547 (cited by Labcorp Genetics (formerly Invitae), Labcorp); PubMed 11279527 (cited by Labcorp Genetics (formerly Invitae), Labcorp); PubMed 16927315 (cited by Labcorp Genetics (formerly Invitae), Labcorp); PubMed 20542149 (cited by Labcorp Genetics (formerly Invitae), Labcorp); PubMed 23836246 (cited by Labcorp Genetics (formerly Invitae), Labcorp).